The following is an entry in ClinVar:

ClinVar aggregate classification (germline): Pathogenic. Review status: criteria provided, multiple submitters, no conflicts (2 of 4 stars). 4 submissions from 4 submitters: Pathogenic (3). 1 of the submissions does not count toward it. Last evaluated 2025-08-18.

Conditions:
SATB2-related disorder. Also called: SATB2-related condition.
Chromosome 2q32-q33 deletion syndrome (GLASS). Also called: Glass syndrome; 2q33.1 deletion syndrome. Identifiers: Orphanet 251019, MedGen C2676739, MONDO:0012864, OMIM 612313.

Allele frequency attached by ClinVar (database versions not stated): gnomAD 0.00001.
gnomAD v4.1: 1 of 1,613,908 alleles (0.000062%); highest among the groups gnomAD compares: African/African-American, 0.0013%; no homozygotes.

Submissions (4):

Labcorp Genetics (formerly Invitae), Labcorp
Classification: Pathogenic for Chromosome 2q32-q33 deletion syndrome. Last evaluated: 2025-08-18. Review status: criteria provided, single submitter. Criteria: Invitae Variant Classification Sherloc (09022015). Collection method: clinical testing. Allele origin: germline.
Comment: This sequence change replaces arginine, which is basic and polar, with glutamine, which is neutral and polar, at codon 429 of the SATB2 protein (p.Arg429Gln). This variant is not present in population databases (gnomAD no frequency). This missense change has been observed in individual(s) with SATB2-related conditions (PMID: 28139846, 29436146). In at least one individual the variant was observed to be de novo. ClinVar contains an entry for this variant (Variation ID: 280282). Invitae Evidence Modeling incorporating data from in vitro experimental studies (internal data) indicates that this missense variant is expected to disrupt SATB2 function with a positive predictive value of 95%. For these reasons, this variant has been classified as Pathogenic.

Blueprint Genetics
Classification: Pathogenic for SATB2-related disorders. Last evaluated: 2024-11-15. Review status: criteria provided, single submitter. Criteria: ACMG Guidelines, 2015. Collection method: clinical testing. Allele origin: de novo. Affected: yes. Observed: 1 variant allele.

GeneDx
Classification: Pathogenic. Last evaluated: 2023-04-21. Review status: criteria provided, single submitter. Criteria: GeneDx Variant Classification Process June 2021. Collection method: clinical testing. Allele origin: germline. Affected: yes.
Comment: Not observed in large population cohorts (gnomAD); In silico analysis supports that this missense variant has a deleterious effect on protein structure/function; This variant is associated with the following publications: (PMID: 31021519, 28139846, 29436146)

GeneReviews
No classification provided. Condition: Chromosome 2q32-q33 deletion syndrome. Review status: no classification provided. Collection method: literature only. Allele origin: de novo. Not counted in ClinVar's aggregate classification.

Literature cited by the submitters: PubMed 28139846 (cited by Labcorp Genetics (formerly Invitae), Labcorp); PubMed 29436146 (cited by Labcorp Genetics (formerly Invitae), Labcorp); NCBI Bookshelf NBK458647 (cited by GeneReviews); PubMed 29023086 (cited by GeneReviews).

NM_001172509.2(SATB2):c.1286G>A (p.Arg429Gln)

Gene: SATB2 (SATB homeobox 2; minus strand). Cytogenetic location: 2q33.1.
Variant type: single nucleotide variant.
Coding change: c.1286G>A on transcript NM_001172509.2 (MANE Select); coding-DNA position 1286, G replaced by A.
Protein change: p.Arg429Gln; replaces arginine 429 with glutamine.
Molecular consequence: missense variant.
Genome position (GRCh38, 1-based): chr2:199,328,798, C>T on the plus strand (G>A on the coding strand, the complement: SATB2 is on the minus strand). VCF-style: chr2-199328798-C-T. GRCh37 (hg19) VCF-style: chr2-200193521-C-T.
Other names: c.1286G>A, p.Arg429Gln (NM_001172517.1, NM_015265.4); short protein forms R429Q.
Identifiers: ClinVar variation 280282 (VCV000280282.10), dbSNP rs886041516, ClinGen allele CA10602850.